The following is an entry in ClinVar:

ClinVar aggregate classification (germline): Likely benign. Review status: criteria provided, multiple submitters, no conflicts (2 of 4 stars). 2 submissions from 2 submitters: Likely benign (2). Last evaluated 2018-06-16.

Allele frequency attached by ClinVar (database versions not stated): gnomAD 0.01194 and 0.01338; gnomAD exomes 0.01365; TOPMed 0.01866; 1000 Genomes Project 30x 0.02967; 1000 Genomes Project 0.03035.
gnomAD v4.1: 7,393 of 542,888 alleles (1.4%); highest among the groups gnomAD compares: East Asian, 6%; 146 homozygotes.

Submissions (2):

GeneDx
Classification: Likely benign. Last evaluated: 2018-06-16. Review status: criteria provided, single submitter. Criteria: GeneDx Variant Classification (06012015). Collection method: clinical testing. Allele origin: germline. Affected: yes.
Comment: This variant is considered likely benign or benign based on one or more of the following criteria: it is a conservative change, it occurs at a poorly conserved position in the protein, it is predicted to be benign by multiple in silico algorithms, and/or has population frequency not consistent with disease.

Breakthrough Genomics
Classification: Likely benign. Review status: criteria provided, single submitter. Criteria: ACMG Guidelines, 2015. Collection method: not provided. Allele origin: germline. Inheritance: Autosomal recessive inheritance. Affected: yes.

NM_213649.2(SFXN4):c.252+229C>A

Gene: SFXN4 (sideroflexin 4; minus strand). Cytogenetic location: 10q26.11.
Variant type: single nucleotide variant.
Coding change: c.252+229C>A on transcript NM_213649.2 (MANE Select); 229 bases into the intron after coding-DNA position 252, C replaced by A.
Molecular consequence: intron variant.
Genome position (GRCh38, 1-based): chr10:119,162,111, G>T on the plus strand (C>A on the coding strand, the complement: SFXN4 is on the minus strand). VCF-style: chr10-119162111-G-T. GRCh37 (hg19) VCF-style: chr10-120921623-G-T.
Identifiers: ClinVar variation 671573 (VCV000671573.2), dbSNP rs2282254, ClinGen allele CA214184715.